The following is an entry in ClinVar:

ClinVar aggregate classification (germline): Uncertain significance. Review status: criteria provided, single submitter (1 of 4 stars). 2 submissions from 2 submitters: Uncertain significance (1). 1 of the submissions does not count toward it. Last evaluated 2022-07-25.

Conditions:
Bardet-Biedl syndrome 12 (BBS12). Identifiers: Orphanet 110, MedGen C1859570, MONDO:0014440, OMIM 615989.
Bardet-Biedl syndrome (BBS). Identifiers: Orphanet 110, MedGen C0752166, MONDO:0015229.

Allele frequency attached by ClinVar (database versions not stated): TOPMed 0.00003; ExAC 0.00004.

Submissions (2):

Labcorp Genetics (formerly Invitae), Labcorp
Classification: Uncertain significance for Bardet-Biedl syndrome. Last evaluated: 2022-07-25. Review status: criteria provided, single submitter. Criteria: Invitae Variant Classification Sherloc (09022015). Collection method: clinical testing. Allele origin: germline.
Comment: This sequence change replaces leucine, which is neutral and non-polar, with isoleucine, which is neutral and non-polar, at codon 194 of the BBS12 protein (p.Leu194Ile). This variant is present in population databases (rs200300023, gnomAD 0.08%). This variant has not been reported in the literature in individuals affected with BBS12-related conditions. ClinVar contains an entry for this variant (Variation ID: 990254). Algorithms developed to predict the effect of missense changes on protein structure and function (SIFT, PolyPhen-2, Align-GVGD) all suggest that this variant is likely to be tolerated. In summary, the available evidence is currently insufficient to determine the role of this variant in disease. Therefore, it has been classified as a Variant of Uncertain Significance.

Natera, Inc.
Classification: Benign for Bardet-Biedl syndrome type 12. Last evaluated: 2020-10-13. Review status: no assertion criteria provided. Collection method: clinical testing. Allele origin: germline. Not counted in ClinVar's aggregate classification.

NM_152618.3(BBS12):c.580C>A (p.Leu194Ile)

Gene: BBS12 (Bardet-Biedl syndrome 12; plus strand). Cytogenetic location: 4q27.
Variant type: single nucleotide variant.
Coding change: c.580C>A on transcript NM_152618.3 (MANE Select); coding-DNA position 580, C replaced by A.
Protein change: p.Leu194Ile; replaces leucine 194 with isoleucine.
Molecular consequence: missense variant.
Genome position (GRCh38, 1-based): chr4:122,742,472, C>A. VCF-style: chr4-122742472-C-A. GRCh37 (hg19) VCF-style: chr4-123663627-C-A.
Other names: c.580C>A, p.Leu194Ile (NM_001178007.2); short protein forms L194I.
Identifiers: ClinVar variation 990254 (VCV000990254.3), dbSNP rs200300023, ClinGen allele CA3069297.